The following is an entry in ClinVar:

NM_006361.6(HOXB13):c.320C>T (p.Ala107Val)

Gene: HOXB13 (homeobox B13; minus strand). Cytogenetic location: 17q21.32.
Variant type: single nucleotide variant.
Coding change: c.320C>T on transcript NM_006361.6 (MANE Select); coding-DNA position 320, C replaced by T.
Protein change: p.Ala107Val; replaces alanine 107 with valine.
Molecular consequence: missense variant.
Genome position (GRCh38, 1-based): chr17:48,728,274, G>A on the plus strand (C>T on the coding strand, the complement: HOXB13 is on the minus strand). VCF-style: chr17-48728274-G-A. GRCh37 (hg19) VCF-style: chr17-46805636-G-A.
Other names: short protein forms A107V.
Identifiers: ClinVar variation 1005967 (VCV001005967.13), dbSNP rs2038235731, ClinGen allele CA400107699.

ClinVar aggregate classification (germline): Uncertain significance. Review status: criteria provided, multiple submitters, no conflicts (2 of 4 stars). 4 submissions from 4 submitters: Uncertain significance (4). Last evaluated 2025-05-30.

Conditions:
HOXB13-related disorder. Also called: HOXB13-related condition; HOXB13-related disorders.
Hereditary cancer-predisposing syndrome. Also called: Tumor predisposition; Hereditary neoplastic syndrome; Neoplastic Syndromes, Hereditary; Hereditary Cancer Syndrome. Identifiers: Orphanet 140162, MedGen C0027672, MeSH D009386, MONDO:0015356.

Submissions (4):

Labcorp Genetics (formerly Invitae), Labcorp
Classification: Uncertain significance. Last evaluated: 2025-05-30. Review status: criteria provided, single submitter. Criteria: Invitae Variant Classification Sherloc (09022015). Collection method: clinical testing. Allele origin: germline.
Comment: This sequence change replaces alanine, which is neutral and non-polar, with valine, which is neutral and non-polar, at codon 107 of the HOXB13 protein (p.Ala107Val). This variant is not present in population databases (gnomAD no frequency). This variant has not been reported in the literature in individuals affected with HOXB13-related conditions. ClinVar contains an entry for this variant (Variation ID: 1005967). Invitae Evidence Modeling of protein sequence and biophysical properties (such as structural, functional, and spatial information, amino acid conservation, physicochemical variation, residue mobility, and thermodynamic stability) indicates that this missense variant is not expected to disrupt HOXB13 protein function with a negative predictive value of 80%. In summary, the available evidence is currently insufficient to determine the role of this variant in disease. Therefore, it has been classified as a Variant of Uncertain Significance.

PreventionGenetics, part of Exact Sciences
Classification: Uncertain significance for HOXB13-related condition. Last evaluated: 2024-12-03. Review status: criteria provided, single submitter. Criteria: ACMG Guidelines, 2015. Collection method: clinical testing. Allele origin: germline.
Comment: The HOXB13 c.320C>T variant is predicted to result in the amino acid substitution p.Ala107Val. To our knowledge, this variant has not been reported in the literature or in a large population database (gnomAD), indicating this variant is rare. This variant has been classified as having uncertain clinical significance in ClinVar. At this time, the clinical significance of this variant is uncertain due to the absence of conclusive functional and genetic evidence.

GeneDx
Classification: Uncertain significance. Last evaluated: 2023-10-19. Review status: criteria provided, single submitter. Criteria: GeneDx Variant Classification Process June 2021. Collection method: clinical testing. Allele origin: germline. Affected: yes.
Comment: Not observed at significant frequency in large population cohorts (gnomAD); In silico analysis supports that this missense variant does not alter protein structure/function; Has not been previously published as pathogenic or benign to our knowledge

Ambry Genetics
Classification: Uncertain significance for Hereditary cancer-predisposing syndrome. Last evaluated: 2022-09-10. Review status: criteria provided, single submitter. Criteria: Ambry Variant Classification Scheme 2023. Collection method: clinical testing. Allele origin: germline.
Comment: The p.A107V variant (also known as c.320C>T), located in coding exon 1 of the HOXB13 gene, results from a C to T substitution at nucleotide position 320. The alanine at codon 107 is replaced by valine, an amino acid with similar properties. This amino acid position is conserved. In addition, this alteration is predicted to be tolerated by in silico analysis. Since supporting evidence is limited at this time, the clinical significance of this alteration remains unclear.